The following is an entry in ClinVar:

NM_152419.3(HGSNAT):c.563+2T>A

Gene: HGSNAT (heparan-alpha-glucosaminide N-acetyltransferase; plus strand). Cytogenetic location: 8p11.21.
Variant type: single nucleotide variant.
Coding change: c.563+2T>A on transcript NM_152419.3 (MANE Select); the canonical splice donor site of the intron after coding-DNA position 563, T replaced by A.
Molecular consequence: splice donor variant.
Genome position (GRCh38, 1-based): chr8:43,161,509, T>A. VCF-style: chr8-43161509-T-A. GRCh37 (hg19) VCF-style: chr8-43016652-T-A.
Other names: c.563+2T>A (NM_001363228.2, NM_001363227.2); c.-271+2T>A (NM_001363229.2).
Identifiers: ClinVar variation 1068076 (VCV001068076.5), dbSNP rs2130722124, ClinGen allele CA371115879.

ClinVar aggregate classification (germline): Likely pathogenic (1 of 4 stars; one submission).

Conditions:
Mucopolysaccharidosis, MPS-III-C (MPS3C). Also called: MPS IIIC (Sanfilippo Syndrome Type C); MUCOPOLYSACCHARIDOSIS, TYPE IIIC; Mucopolysaccharidosis type IIIC (Sanfilippo C); mucopolysaccharidosis type 3C; SANFILIPPO SYNDROME C; MPS III C. Identifiers: Orphanet 581, Orphanet 79271, MedGen C0086649, MONDO:0009657, OMIM 252930.
Retinitis pigmentosa 73 (RP73). Identifiers: Orphanet 791, MedGen C4225287, MONDO:0014687, OMIM 616544.

Submission:

Labcorp Genetics (formerly Invitae), Labcorp
Classification: Likely pathogenic for Retinitis pigmentosa 73; Mucopolysaccharidosis, MPS-III-C. Last evaluated: 2020-07-14. Review status: criteria provided, single submitter. Criteria: Invitae Variant Classification Sherloc (09022015). Collection method: clinical testing. Allele origin: germline.
Comment: In summary, the currently available evidence indicates that the variant is pathogenic, but additional data are needed to prove that conclusively. Therefore, this variant has been classified as Likely Pathogenic. Donor and acceptor splice site variants typically lead to a loss of protein function (PMID: 16199547), and loss-of-function variants in HGSNAT are known to be pathogenic (PMID: 17033958, 19479962). Algorithms developed to predict the effect of sequence changes on RNA splicing suggest that this variant may disrupt the consensus splice site, but this prediction has not been confirmed by published transcriptional studies. This variant has not been reported in the literature in individuals with HGSNAT-related conditions. This variant is not present in population databases (ExAC no frequency). This sequence change affects a donor splice site in intron 5 of the HGSNAT gene. It is expected to disrupt RNA splicing and likely results in an absent or disrupted protein product.

Literature cited by the submitters: PubMed 16199547; PubMed 17033958; PubMed 19479962.